The following is an entry in ClinVar:

NM_032436.4(CHAMP1):c.1403C>T (p.Ser468Phe)

Gene: CHAMP1 (chromosome alignment maintaining phosphoprotein 1; plus strand). Cytogenetic location: 13q34.
Variant type: single nucleotide variant.
Coding change: c.1403C>T on transcript NM_032436.4 (MANE Select); coding-DNA position 1403, C replaced by T.
Protein change: p.Ser468Phe; replaces serine 468 with phenylalanine.
Molecular consequence: missense variant.
Genome position (GRCh38, 1-based): chr13:114,325,245, C>T. VCF-style: chr13-114325245-C-T. GRCh37 (hg19) VCF-style: chr13-115090720-C-T.
Other names: c.1403C>T, p.Ser468Phe (NM_001164144.3, NM_001164145.3); short protein forms S468F.
Identifiers: ClinVar variation 3371432 (VCV003371432.1).

ClinVar aggregate classification (germline): Uncertain significance (1 of 4 stars; one submission).

gnomAD v4.1: 1 of 1,614,010 alleles (0.000062%); highest among the groups gnomAD compares: Non-Finnish European, 0.000085%; no homozygotes.

Submission:

GeneDx
Classification: Uncertain significance. Last evaluated: 2024-03-26. Review status: criteria provided, single submitter. Criteria: GeneDx Variant Classification Process June 2021. Collection method: clinical testing. Allele origin: germline. Affected: yes.
Comment: Not observed at significant frequency in large population cohorts (gnomAD); In silico analysis supports that this missense variant does not alter protein structure/function; Has not been previously published as pathogenic or benign to our knowledge